The following is an entry in ClinVar:

NC_000019.9:g.(?_17999120)_(17999284_?)del

Gene: SLC5A5 (solute carrier family 5 member 5; plus strand). Cytogenetic location: 19p13.11.
Variant type: Deletion.
Identifiers: ClinVar variation 3242647 (VCV003242647.1).

ClinVar aggregate classification (germline): Pathogenic (1 of 4 stars; one submission).

Submission:

Labcorp Genetics (formerly Invitae), Labcorp
Classification: Pathogenic. Last evaluated: 2023-09-17. Review status: criteria provided, single submitter. Criteria: Invitae Variant Classification Sherloc (09022015). Collection method: clinical testing. Allele origin: unknown.
Comment: This variant is a gross deletion of the genomic region encompassing exon(s) 13 of the SLC5A5 gene. This deletion is out-of-frame, and is expected to create a premature termination codon and result in an absent or disrupted protein product. Loss-of-function variants in SLC5A5 are known to be pathogenic (PMID: 9388506, 9486973). This variant has not been reported in the literature in individuals affected with SLC5A5-related conditions. For these reasons, this variant has been classified as Pathogenic.

Literature cited by the submitters: PubMed 9388506; PubMed 9486973.